The following is an entry in ClinVar:

ClinVar aggregate classification (germline): Likely pathogenic (1 of 4 stars; one submission).

Conditions:
Blepharophimosis - intellectual disability syndrome, SBBYS type (SBBYSS). Also called: Say-Barber-Biesecker-Young-Simpson variant of Ohdo Syndrome; Say-Barber-Biesecker Variant of Ohdo Syndrome; Ohdo syndrome, SBBYS variant; SBBYSS syndrome; Say-Barber-Biesecker-Young-Simpson syndrome; Say-Barber-Biesecker variant of Ohdo syndrome (SBBYSS). Identifiers: Orphanet 3047, MedGen C1863557, MONDO:0011365, OMIM 603736.

Submission:

3billion
Classification: Likely pathogenic for Blepharophimosis - intellectual disability syndrome, SBBYS type. Review status: criteria provided, single submitter. Criteria: ACMG Guidelines, 2015. Collection method: clinical testing. Allele origin: unknown. Affected: yes. Observed: 1 heterozygote.
Comment: The variant is not observed in the gnomAD v2.1.1 dataset. The variant is predicted to result in a loss or disruption of normal protein function through protein truncation. The predicted truncated protein may be shortened by more than 10%. Multiple pathogenic variants are reported downstream of the variant. The variant has been reported to be associated with KAT6B related disorder (PMID: 27848944). Therefore, this variant is classified as Likely pathogenic according to the recommendation of ACMG/AMP guideline.

Literature cited by the submitters: PubMed 27848944.

NM_012330.4(KAT6B):c.4096G>T (p.Glu1366Ter)

Gene: KAT6B (lysine acetyltransferase 6B; plus strand). Cytogenetic location: 10q22.2.
Variant type: single nucleotide variant.
Coding change: c.4096G>T on transcript NM_012330.4 (MANE Select); coding-DNA position 4096, G replaced by T.
Protein change: p.Glu1366Ter; replaces glutamic acid 1366 with a stop codon.
Molecular consequence: nonsense.
Genome position (GRCh38, 1-based): chr10:75,028,920, G>T. VCF-style: chr10-75028920-G-T. GRCh37 (hg19) VCF-style: chr10-76788678-G-T.
Other names: c.3547G>T, p.Glu1183Ter (NM_001256468.2, NM_001370138.1); c.3220G>T, p.Glu1074Ter (NM_001256469.2, NM_001370139.1, NM_001370140.1 and 2 more transcripts); c.3058G>T, p.Glu1020Ter (NM_001370132.1); c.2407G>T, p.Glu803Ter (NM_001370133.1); c.2011G>T, p.Glu671Ter (NM_001370134.1); c.1753G>T, p.Glu585Ter (NM_001370135.1); c.4096G>T, p.Glu1366Ter (NM_001370136.1, NM_001370137.1); c.3031G>T, p.Glu1011Ter (NM_001370143.1, NM_001370144.1); short protein forms E1011*, E1020*, E1074*, E1183*, E1366*, E585*, E671*, E803*.
Identifiers: ClinVar variation 2572478 (VCV002572478.1), dbSNP rs754348627, ClinGen allele CA377295552.